The following is an entry in ClinVar:

NM_006440.5(TXNRD2):c.395T>C (p.Val132Ala)

Gene: TXNRD2 (thioredoxin reductase 2; minus strand). Cytogenetic location: 22q11.21.
Variant type: single nucleotide variant.
Coding change: c.395T>C on transcript NM_006440.5 (MANE Select); coding-DNA position 395, T replaced by C.
Protein change: p.Val132Ala; replaces valine 132 with alanine.
Molecular consequence: missense variant. On other transcripts: non-coding transcript variant (1).
Genome position (GRCh38, 1-based): chr22:19,918,197, A>G on the plus strand (T>C on the coding strand, the complement: TXNRD2 is on the minus strand). VCF-style: chr22-19918197-A-G. GRCh37 (hg19) VCF-style: chr22-19905720-A-G.
Other names: c.395T>C, p.Val132Ala (NM_001282512.3); c.392T>C, p.Val131Ala (NM_001352300.2); c.305T>C, p.Val102Ala (NM_001352301.2); c.107T>C, p.Val36Ala (NM_001352302.2); c.299T>C, p.Val100Ala (NM_001352303.2); c.395T>C (NM_006440.3); short protein forms V100A, V131A, V36A, V102A, V132A.
Identifiers: ClinVar variation 1465157 (VCV001465157.7), dbSNP rs1449070418, ClinGen allele CA410693569.
Genomic context (GRCh38, chr22:19,918,197, plus strand): 5'-CAGTACCTGTCCTGAAGCTGGACACGGTGGCCCCAGTTCAAGGATTTCACGTGATTTTGA[A>G]CAGCTTCTGCCATCTTCCTCCTGTGAAGATACGAAACAAAATGTAAAATCCACAACACAG-3'
Protein context (NP_006431.2, residues 122-142): PHDWRKMAEA[Val132Ala]QNHVKSLNWG

ClinVar aggregate classification (germline): Uncertain significance. Review status: criteria provided, multiple submitters, no conflicts (2 of 4 stars). 2 submissions from 2 submitters: Uncertain significance (2). Last evaluated 2025-02-23.

Conditions:
Cardiovascular phenotype. Identifiers: MedGen CN230736.
Primary dilated cardiomyopathy (DCM). Also called: Dilated Cardiomyopathy. Identifiers: Orphanet 217604, MedGen C0007193, MeSH D002311, MONDO:0005021, HP:0001644. Inheritance: Various modes of inheritance.

Allele frequency attached by ClinVar (database versions not stated): gnomAD exomes below 0.00001; gnomAD 0.00001; TOPMed 0.00001.
gnomAD v4.1: 3 of 1,614,094 alleles (0.00019%); highest among the groups gnomAD compares: African/African-American, 0.0027%; no homozygotes.

Submissions (2):

Ambry Genetics
Classification: Uncertain significance for Cardiovascular phenotype. Last evaluated: 2025-02-23. Review status: criteria provided, single submitter. Criteria: Ambry Variant Classification Scheme 2023. Collection method: clinical testing. Allele origin: germline.
Comment: The p.V132A variant (also known as c.395T>C), located in coding exon 5 of the TXNRD2 gene, results from a T to C substitution at nucleotide position 395. The valine at codon 132 is replaced by alanine, an amino acid with similar properties. This amino acid position is conserved. In addition, this alteration is predicted to be tolerated by in silico analysis. Based on the available evidence, the clinical significance of this variant remains unclear.

Labcorp Genetics (formerly Invitae), Labcorp
Classification: Uncertain significance for Primary dilated cardiomyopathy. Last evaluated: 2023-12-06. Review status: criteria provided, single submitter. Criteria: Invitae Variant Classification Sherloc (09022015). Collection method: clinical testing. Allele origin: germline.
Comment: This sequence change replaces valine, which is neutral and non-polar, with alanine, which is neutral and non-polar, at codon 132 of the TXNRD2 protein (p.Val132Ala). This variant is not present in population databases (gnomAD no frequency). This variant has not been reported in the literature in individuals affected with TXNRD2-related conditions. ClinVar contains an entry for this variant (Variation ID: 1465157). Advanced modeling of protein sequence and biophysical properties (such as structural, functional, and spatial information, amino acid conservation, physicochemical variation, residue mobility, and thermodynamic stability) performed at Invitae indicates that this missense variant is not expected to disrupt TXNRD2 protein function with a negative predictive value of 80%. In summary, the available evidence is currently insufficient to determine the role of this variant in disease. Therefore, it has been classified as a Variant of Uncertain Significance.